The following is an entry in ClinVar:

NM_021098.3(CACNA1H):c.486G>T (p.Gly162=)

Gene: CACNA1H (calcium voltage-gated channel subunit alpha1 H; plus strand). Cytogenetic location: 16p13.3.
Variant type: single nucleotide variant.
Coding change: c.486G>T on transcript NM_021098.3 (MANE Select); coding-DNA position 486, G replaced by T.
Protein change: p.Gly162=; no amino-acid change (glycine 162 retained).
Molecular consequence: synonymous variant.
Genome position (GRCh38, 1-based): chr16:1,195,506, G>T. VCF-style: chr16-1195506-G-T. GRCh37 (hg19) VCF-style: chr16-1245506-G-T.
Other names: c.486G>T, p.Gly162= (NM_001005407.2).
Identifiers: ClinVar variation 381473 (VCV000381473.1), dbSNP rs1057521046, ClinGen allele CA16606879.
Genomic context (GRCh38, chr16:1,195,506, plus strand): 5'-CATTTTCGCCTTTTTTGCGGTGGAGATGGTCATCAAGATGGTGGCCTTGGGGCTGTTCGG[G>T]CAGAAGTGTTACCTGGGTGACACGTGGAACAGGCTGGATTTCTTCATCGTCGTGGCGGGG-3'
Protein context (NP_066921.2, residues 152-172): VIKMVALGLF[Gly162=]QKCYLGDTWN

ClinVar aggregate classification (germline): Likely benign (1 of 4 stars; one submission).

Allele frequency attached by ClinVar (database versions not stated): gnomAD exomes below 0.00001; TOPMed 0.00001.
gnomAD v4.1: 2 of 1,601,758 alleles (0.00012%); highest among the groups gnomAD compares: Non-Finnish European, 0.00017%; no homozygotes.

Submission:

GeneDx
Classification: Likely benign. Last evaluated: 2015-11-01. Review status: criteria provided, single submitter. Criteria: GeneDx Variant Classification (06012015). Collection method: clinical testing. Allele origin: germline. Affected: yes.
Comment: This variant is considered likely benign or benign based on one or more of the following criteria: it is a conservative change, it occurs at a poorly conserved position in the protein, it is predicted to be benign by multiple in silico algorithms, and/or has population frequency not consistent with disease.